The following is an entry in ClinVar:

NM_017672.6(TRPM7):c.4500_4502del (p.Ser1500del)

Gene: TRPM7 (transient receptor potential cation channel subfamily M member 7; minus strand). Cytogenetic location: 15q21.2.
Variant type: Deletion.
Coding change: c.4500_4502del on transcript NM_017672.6 (MANE Select); coding-DNA positions 4500 to 4502, 3 bases deleted (TAG; older notation c.4500_4502delTAG).
Protein change: p.Ser1500del; deletes serine 1500.
Molecular consequence: non-coding transcript variant (on NR_149152.2).
Genome position (GRCh38, 1-based): chr15:50,583,144-50,583,146, CTA deleted on the plus strand (TAG on the coding strand, the reverse complement: TRPM7 is on the minus strand); deleting any 3 consecutive bases within chr15:50,583,144-50,583,148 gives the same sequence; the c. name uses the placement nearest the transcript's 3' end. VCF-style (leftmost placement, unchanged base first): chr15-50583143-TCTA-T. GRCh37 (hg19) VCF-style: chr15-50875340-TCTA-T.
Other names: c.4497_4499del, p.Ser1499del (NM_001301212.2); short protein forms S1499del, S1500del.
Identifiers: ClinVar variation 3056286 (VCV003056286.2), dbSNP rs148771191, ClinGen allele CA7556910.

ClinVar aggregate classification (germline): Benign (0 of 4 stars; one submission).

Conditions:
TRPM7-related disorder. Also called: TRPM7-related condition.

Submission:

PreventionGenetics, part of Exact Sciences
Classification: Benign for TRPM7-related condition. Last evaluated: 2019-11-25. Review status: no assertion criteria provided. Collection method: clinical testing. Allele origin: germline.
Comment: This variant is classified as benign based on ACMG/AMP sequence variant interpretation guidelines (Richards et al. 2015 PMID: 25741868, with internal and published modifications).